The following is an entry in ClinVar:

ClinVar aggregate classification (germline): Uncertain significance (1 of 4 stars; one submission).

Conditions:
Inborn genetic diseases. Identifiers: MedGen C0950123, MeSH D030342.

Submission:

Ambry Genetics
Classification: Uncertain significance for Inborn genetic diseases. Last evaluated: 2025-07-05. Review status: criteria provided, single submitter. Criteria: Ambry Variant Classification Scheme 2023. Collection method: clinical testing. Allele origin: germline.
Comment: The p.C719F variant (also known as c.2156G>T), located in coding exon 20 of the ANKRD26 gene, results from a G to T substitution at nucleotide position 2156. The cysteine at codon 719 is replaced by phenylalanine, an amino acid with highly dissimilar properties. This amino acid position is conserved. In addition, this alteration is predicted to be tolerated by in silico analysis. Based on the available evidence, the clinical significance of this variant remains unclear.

NM_014915.3(ANKRD26):c.2156G>T (p.Cys719Phe)

Gene: ANKRD26 (ankyrin repeat domain containing 26; minus strand). Cytogenetic location: 10p12.1.
Variant type: single nucleotide variant.
Coding change: c.2156G>T on transcript NM_014915.3 (MANE Select); coding-DNA position 2156, G replaced by T.
Protein change: p.Cys719Phe; replaces cysteine 719 with phenylalanine.
Molecular consequence: missense variant.
Genome position (GRCh38, 1-based): chr10:27,043,431, C>A on the plus strand (G>T on the coding strand, the complement: ANKRD26 is on the minus strand). VCF-style: chr10-27043431-C-A. GRCh37 (hg19) VCF-style: chr10-27332360-C-A.
Other names: c.2153G>T, p.Cys718Phe (NM_001256053.2); short protein forms C718F, C719F.
Identifiers: ClinVar variation 4103304 (VCV004103304.1).